The following is an entry in ClinVar:

ClinVar aggregate classification (germline): Likely benign (1 of 4 stars; one submission).

Submission:

CeGaT Center for Human Genetics Tuebingen
Classification: Likely benign. Last evaluated: 2024-08-01. Review status: criteria provided, single submitter. Criteria: CeGaT Center For Human Genetics Tuebingen Variant Classification Criteria Version 2. Collection method: clinical testing. Allele origin: germline. Affected: yes. Observed: 1 variant allele.
Comment: AHNAK2: BP4, BP7, BS2

NM_138420.4(AHNAK2):c.6525G>A (p.Ser2175=)

Gene: AHNAK2 (AHNAK nucleoprotein 2; minus strand). Cytogenetic location: 14q32.33.
Variant type: single nucleotide variant.
Coding change: c.6525G>A on transcript NM_138420.4 (MANE Select); coding-DNA position 6525, G replaced by A.
Protein change: p.Ser2175=; no amino-acid change (serine 2175 retained).
Molecular consequence: synonymous variant.
Genome position (GRCh38, 1-based): chr14:104,948,926, C>T on the plus strand (G>A on the coding strand, the complement: AHNAK2 is on the minus strand). VCF-style: chr14-104948926-C-T. GRCh37 (hg19) VCF-style: chr14-105415263-C-T.
Other names: c.6225G>A, p.Ser2075= (NM_001350929.2).
Identifiers: ClinVar variation 3341597 (VCV003341597.16).